The following is an entry in ClinVar:

ClinVar aggregate classification (germline): Uncertain significance. Review status: criteria provided, multiple submitters, no conflicts (2 of 4 stars). 3 submissions from 3 submitters: Uncertain significance (3). Last evaluated 2026-08-10.

Conditions:
Long QT syndrome (LQTS). Identifiers: MedGen C0023976, MeSH D008133, MONDO:0002442. Disease mechanism: loss of function. Inheritance: Various modes of inheritance.
CACNA1C-related disorder. Also called: CACNA1C-related condition; CACNA1C-related disorders. Identifiers: MedGen CN381092, MONDO:0700321.
Cardiovascular phenotype. Identifiers: MedGen CN230736.

Allele frequency attached by ClinVar (database versions not stated): gnomAD 0.00001; TOPMed 0.00002.
gnomAD v4.1: 51 of 1,613,186 alleles (0.0032%); highest among the groups gnomAD compares: Non-Finnish European, 0.0043%; no homozygotes.

Submissions (3):

PreventionGenetics, part of Exact Sciences
Classification: Uncertain significance for CACNA1C-related condition. Last evaluated: 2026-08-10. Review status: criteria provided, single submitter. Criteria: ACMG Guidelines, 2015. Collection method: clinical testing. Allele origin: germline.
Comment: The CACNA1C c.5657G>C variant is predicted to result in the amino acid substitution p.Gly1886Ala. To our knowledge, this variant has not been reported in the literature in individuals with CACNA1C-related disorders. This variant is reported in 0.00089% of alleles in individuals of European (Non-Finnish) descent in gnomAD. At this time, the clinical significance of this variant is uncertain due to the absence of conclusive functional and genetic evidence.

Labcorp Genetics (formerly Invitae), Labcorp
Classification: Uncertain significance for Long QT syndrome. Last evaluated: 2025-10-11. Review status: criteria provided, single submitter. Criteria: Invitae Variant Classification Sherloc (09022015). Collection method: clinical testing. Allele origin: germline.
Comment: This sequence change replaces glycine, which is neutral and non-polar, with alanine, which is neutral and non-polar, at codon 1886 of the CACNA1C protein (p.Gly1886Ala). This variant is present in population databases (no rsID available, gnomAD 0.0009%). This variant has not been reported in the literature in individuals affected with CACNA1C-related conditions. ClinVar contains an entry for this variant (Variation ID: 566792). Invitae Evidence Modeling of protein sequence and biophysical properties (such as structural, functional, and spatial information, amino acid conservation, physicochemical variation, residue mobility, and thermodynamic stability) indicates that this missense variant is not expected to disrupt CACNA1C protein function with a negative predictive value of 95%. In summary, the available evidence is currently insufficient to determine the role of this variant in disease. Therefore, it has been classified as a Variant of Uncertain Significance.

Ambry Genetics
Classification: Uncertain significance for Cardiovascular phenotype. Last evaluated: 2024-10-05. Review status: criteria provided, single submitter. Criteria: Ambry Variant Classification Scheme 2023. Collection method: clinical testing. Allele origin: germline.
Comment: The p.G1886A variant (also known as c.5657G>C), located in coding exon 44 of the CACNA1C gene, results from a G to C substitution at nucleotide position 5657. The glycine at codon 1886 is replaced by alanine, an amino acid with similar properties. This amino acid position is well conserved in available vertebrate species. In addition, this alteration is predicted to be tolerated by in silico analysis. Based on the available evidence, the clinical significance of this variant remains unclear.

NM_000719.7(CACNA1C):c.5657G>C (p.Gly1886Ala)

Genes: CACNA1C (calcium voltage-gated channel subunit alpha1 C; plus strand), CACNA1C-AS1 (CACNA1C antisense RNA 1; minus strand). Cytogenetic location: 12p13.33.
Variant type: single nucleotide variant.
Coding change: c.5657G>C on transcript NM_000719.7 (MANE Select); coding-DNA position 5657, G replaced by C.
Protein change: p.Gly1886Ala; replaces glycine 1886 with alanine.
Molecular consequence: missense variant.
Genome position (GRCh38, 1-based): chr12:2,685,819, G>C. VCF-style: chr12-2685819-G-C. GRCh37 (hg19) VCF-style: chr12-2794985-G-C.
Other names: c.5801G>C, p.Gly1934Ala (NM_001129827.2); c.5780G>C, p.Gly1927Ala (NM_001129829.2); c.5762G>C, p.Gly1921Ala (NM_001129830.3, NM_001167624.3); c.5741G>C, p.Gly1914Ala (NM_001129831.2); c.5717G>C, p.Gly1906Ala (NM_001129832.2); c.5714G>C, p.Gly1905Ala (NM_001129833.2, NM_001129834.2, NM_001129835.2); c.5708G>C, p.Gly1903Ala (NM_001129836.2); c.5681G>C, p.Gly1894Ala (NM_001129837.2, NM_001129838.2); and 6 more; short protein forms G1921A, G1886A, G1934A, G1883A, G1903A, G1914A, G1894A, G1905A.
Identifiers: ClinVar variation 566792 (VCV000566792.10), dbSNP rs748198629, ClinGen allele CA383382252.